The following is an entry in ClinVar:

NM_032436.4(CHAMP1):c.887T>C (p.Val296Ala)

Gene: CHAMP1 (chromosome alignment maintaining phosphoprotein 1; plus strand). Cytogenetic location: 13q34.
Variant type: single nucleotide variant.
Coding change: c.887T>C on transcript NM_032436.4 (MANE Select); coding-DNA position 887, T replaced by C.
Protein change: p.Val296Ala; replaces valine 296 with alanine.
Molecular consequence: missense variant.
Genome position (GRCh38, 1-based): chr13:114,324,729, T>C. VCF-style: chr13-114324729-T-C. GRCh37 (hg19) VCF-style: chr13-115090204-T-C.
Other names: c.887T>C, p.Val296Ala (NM_001164144.3, NM_001164145.3); c.887T>C (NM_001164145.2); short protein forms V296A.
Identifiers: ClinVar variation 714018 (VCV000714018.7), dbSNP rs115972990, ClinGen allele CA7070707.
Genomic context (GRCh38, chr13:114,324,729, plus strand): 5'-CTGAGCCAAGGAAGCCATCCCCTTCAGAGTCTCCTGAACCTTGGAAGCCGTTCCCTGCTG[T>C]CTCCCCAGAGCCTAGGAGACCAGCCCCCGCTGTGTCACCAGGCTCTTGGAAACCAGGGCC-3'
Protein context (NP_115812.1, residues 286-306): SPEPWKPFPA[Val296Ala]SPEPRRPAPA

ClinVar aggregate classification (germline): Benign. Review status: criteria provided, multiple submitters, no conflicts (2 of 4 stars). 3 submissions from 3 submitters: Benign (2). 1 of the submissions does not count toward it. Last evaluated 2019-12-31.

Conditions:
CHAMP1-related disorder. Also called: CHAMP1-related condition.

Allele frequency attached by ClinVar (database versions not stated): gnomAD exomes 0.00079; ExAC 0.00087; 1000 Genomes Project 0.00260; 1000 Genomes Project 30x 0.00281; gnomAD 0.00313 and 0.00339; ESP Exome Variant Server 0.00346; TOPMed 0.00349.

Submissions (3):

Labcorp Genetics (formerly Invitae), Labcorp
Classification: Benign. Last evaluated: 2019-12-31. Review status: criteria provided, single submitter. Criteria: Invitae Variant Classification Sherloc (09022015). Collection method: clinical testing. Allele origin: germline.

Breakthrough Genomics
Classification: Benign. Review status: criteria provided, single submitter. Criteria: ACMG Guidelines, 2015. Collection method: not provided. Allele origin: germline. Inheritance: Autosomal dominant inheritance. Affected: yes.

PreventionGenetics, part of Exact Sciences
Classification: Benign for CHAMP1-related condition. Last evaluated: 2023-12-21. Review status: no assertion criteria provided. Collection method: clinical testing. Allele origin: germline. Not counted in ClinVar's aggregate classification.
Comment: This variant is classified as benign based on ACMG/AMP sequence variant interpretation guidelines (Richards et al. 2015 PMID: 25741868, with internal and published modifications).